The following is an entry in ClinVar:

ClinVar aggregate classification (germline): Uncertain significance (1 of 4 stars; one submission).

Conditions:
Nephronophthisis 14 (NPHP14). Identifiers: Orphanet 2318, MedGen C3539071, MONDO:0013916, OMIM 614844.

Allele frequency attached by ClinVar (database versions not stated): gnomAD exomes below 0.00001.
gnomAD v4.1: 2 of 1,614,132 alleles (0.00012%); highest among the groups gnomAD compares: South Asian, 0.0011%; no homozygotes.

Submission:

Labcorp Genetics (formerly Invitae), Labcorp
Classification: Uncertain significance for Nephronophthisis 14. Last evaluated: 2023-11-14. Review status: criteria provided, single submitter. Criteria: Invitae Variant Classification Sherloc (09022015). Collection method: clinical testing. Allele origin: germline.
Comment: This sequence change replaces proline, which is neutral and non-polar, with serine, which is neutral and polar, at codon 470 of the ZNF423 protein (p.Pro470Ser). This variant is not present in population databases (gnomAD no frequency). This variant has not been reported in the literature in individuals affected with ZNF423-related conditions. Advanced modeling of protein sequence and biophysical properties (such as structural, functional, and spatial information, amino acid conservation, physicochemical variation, residue mobility, and thermodynamic stability) performed at Invitae indicates that this missense variant is not expected to disrupt ZNF423 protein function with a negative predictive value of 80%. In summary, the available evidence is currently insufficient to determine the role of this variant in disease. Therefore, it has been classified as a Variant of Uncertain Significance.

NM_001379286.1(ZNF423):c.1432C>T (p.Pro478Ser)

Gene: ZNF423 (zinc finger protein 423; minus strand). Cytogenetic location: 16q12.1.
Variant type: single nucleotide variant.
Coding change: c.1432C>T on transcript NM_001379286.1 (MANE Select); coding-DNA position 1432, C replaced by T.
Protein change: p.Pro478Ser; replaces proline 478 with serine.
Molecular consequence: missense variant.
Genome position (GRCh38, 1-based): chr16:49,637,744, G>A on the plus strand (C>T on the coding strand, the complement: ZNF423 is on the minus strand). VCF-style: chr16-49637744-G-A. GRCh37 (hg19) VCF-style: chr16-49671655-G-A.
Other names: c.1228C>T, p.Pro410Ser (NM_001271620.2); c.1057C>T, p.Pro353Ser (NM_001330533.2); c.1408C>T, p.Pro470Ser (NM_015069.5); short protein forms P470S, P478S, P353S, P410S.
Identifiers: ClinVar variation 2769489 (VCV002769489.3), dbSNP rs1177172288, ClinGen allele CA395849378.
Genomic context (GRCh38, chr16:49,637,744, plus strand): 5'-CGAACATCTCGGGGCAGTAGTTGCAGTGGAAGGCAGAGATGTTGCCAAACTGCATCACAG[G>A]GTAGGCATGGTTCTTGTGCAGCTTGCGAACGTGCTCGTTGAGGTTGTAGAGGGTGGGCAT-3'
Protein context (NP_001366215.1, residues 468-488): VRKLHKNHAY[Pro478Ser]VMQFGNISAF